The following is an entry in ClinVar:

NM_004771.4(MMP20):c.1139G>A (p.Arg380Gln)

Gene: MMP20 (matrix metallopeptidase 20; minus strand). Cytogenetic location: 11q22.2.
Variant type: single nucleotide variant.
Coding change: c.1139G>A on transcript NM_004771.4 (MANE Select); coding-DNA position 1139, G replaced by A.
Protein change: p.Arg380Gln; replaces arginine 380 with glutamine.
Molecular consequence: missense variant.
Genome position (GRCh38, 1-based): chr11:102,593,547, C>T on the plus strand (G>A on the coding strand, the complement: MMP20 is on the minus strand). VCF-style: chr11-102593547-C-T. GRCh37 (hg19) VCF-style: chr11-102464278-C-T.
Other names: short protein forms R380Q.
Identifiers: ClinVar variation 560224 (VCV000560224.4), dbSNP rs767478911, ClinGen allele CA6248165.

ClinVar aggregate classification (germline): Uncertain significance. Review status: criteria provided, multiple submitters, no conflicts (2 of 4 stars). 2 submissions from 2 submitters: Uncertain significance (2). Last evaluated 2022-06-13.

Conditions:
Intellectual developmental disorder, autosomal dominant 56. Also called: Intellectual disability, autosomal dominant 56; MENTAL RETARDATION, AUTOSOMAL DOMINANT 56. Identifiers: MedGen C4693389, MONDO:0030922, OMIM 617854.
Amelogenesis imperfecta hypomaturation type 2A2. Also called: AMELOGENESIS IMPERFECTA, PIGMENTED HYPOMATURATION TYPE, 2; Amelogenesis imperfecta, hypomaturation type, IIA2; Amelogenesis imperfecta, type IIA2. Identifiers: Orphanet 88661, MedGen C2675858, MONDO:0012926, OMIM 612529. Disease mechanism: loss of function.

Allele frequency attached by ClinVar (database versions not stated): TOPMed 0.00001; ExAC 0.00003; gnomAD 0.00001.
gnomAD v4.1: 50 of 1,613,940 alleles (0.0031%); highest among the groups gnomAD compares: South Asian, 0.022%; 1 homozygote.

Submissions (2):

Department of Pathology and Laboratory Medicine, Sinai Health System
Classification: Uncertain significance for Amelogenesis imperfecta hypomaturation type 2A2. Last evaluated: 2022-06-13. Review status: criteria provided, single submitter. Criteria: ACMG Guidelines, 2015. Collection method: research. Allele origin: germline.

Geisinger Autism and Developmental Medicine Institute, Geisinger Health System
Classification: Uncertain significance for Intellectual developmental disorder, autosomal dominant 56. Last evaluated: 2017-03-13. Review status: criteria provided, single submitter. Criteria: ACMG Guidelines, 2015. Collection method: provider interpretation, clinical testing. Allele origin: maternal. Observed: 1 variant allele.
Comment: This variant has been reported in population databases at a frequency of 0.032% and 0.024% in the South Asian populations in gnomAD and ExAC respectively. Computational models are inconsistent. MMP20 encodes a protein that is only expressed in dental tissues and plays a role in the formation of dental enamel (Wang et al. 2013l Chan et al. 2011). Homozygous and compound heterozygous pathogenic variants in the MMP20 gene have been reported with nonsyndromic, autosomal recessive, hypomaturation type amelogenesis imperfecta (Wang et al. 2013; Seyman et al. 2015; Gasse et al. 2013; Chan et al. 2011; Lee et al 2010; Papagerakis et al 2008; Ozdemir et al. 2005; Kim et al. 2005).

Literature cited by the submitters: PubMed 23355523 (cited by Geisinger Autism and Developmental Medicine Institute, Geisinger Health System); PubMed 22243262 (cited by Geisinger Autism and Developmental Medicine Institute, Geisinger Health System); PubMed 26124219 (cited by Geisinger Autism and Developmental Medicine Institute, Geisinger Health System); PubMed 23625376 (cited by Geisinger Autism and Developmental Medicine Institute, Geisinger Health System); PubMed 19966041 (cited by Geisinger Autism and Developmental Medicine Institute, Geisinger Health System); PubMed 18096894 (cited by Geisinger Autism and Developmental Medicine Institute, Geisinger Health System); PubMed 16246936 (cited by Geisinger Autism and Developmental Medicine Institute, Geisinger Health System); PubMed 15744043 (cited by Geisinger Autism and Developmental Medicine Institute, Geisinger Health System).